The following is an entry in ClinVar:

NM_003601.4(SMARCA5):c.326C>T (p.Ala109Val)

Gene: SMARCA5 (SNF2 related chromatin remodeling ATPase 5; plus strand). Cytogenetic location: 4q31.21.
Variant type: single nucleotide variant.
Coding change: c.326C>T on transcript NM_003601.4 (MANE Select); coding-DNA position 326, C replaced by T.
Protein change: p.Ala109Val; replaces alanine 109 with valine.
Molecular consequence: missense variant.
Genome position (GRCh38, 1-based): chr4:143,521,502, C>T. VCF-style: chr4-143521502-C-T. GRCh37 (hg19) VCF-style: chr4-144442655-C-T.
Other names: short protein forms A109V.
Identifiers: ClinVar variation 2446525 (VCV002446525.1), dbSNP rs2531476877, ClinGen allele CA358325565.
Genomic context (GRCh38, chr4:143,521,502, plus strand): 5'-CAAATAGATTCGAGTATTTATTAAAGCAGACAGAACTTTTTGCACATTTCATTCAACCTG[C>T]TGCTCAGAAGACTCCAACTTCACCTTTGAAGATGAAACCAGGGCGCCCACGAATAAAAAA-3'
Protein context (NP_003592.3, residues 99-119): TELFAHFIQP[Ala109Val]AQKTPTSPLK

ClinVar aggregate classification (germline): Uncertain significance (1 of 4 stars; one submission).

Submission:

GeneDx
Classification: Uncertain significance. Last evaluated: 2022-09-29. Review status: criteria provided, single submitter. Criteria: GeneDx Variant Classification Process June 2021. Collection method: clinical testing. Allele origin: germline. Affected: yes.
Comment: Not observed at significant frequency in large population cohorts (gnomAD); In silico analysis supports that this missense variant does not alter protein structure/function; Has not been previously published as pathogenic or benign to our knowledge